The following is an entry in ClinVar:

NM_001042492.3(NF1):c.2135A>G (p.His712Arg)

Gene: NF1 (neurofibromin 1; plus strand). Cytogenetic location: 17q11.2.
Variant type: single nucleotide variant.
Coding change: c.2135A>G on transcript NM_001042492.3 (MANE Select); coding-DNA position 2135, A replaced by G.
Protein change: p.His712Arg; replaces histidine 712 with arginine.
Molecular consequence: missense variant.
Genome position (GRCh38, 1-based): chr17:31,226,568, A>G. VCF-style: chr17-31226568-A-G. GRCh37 (hg19) VCF-style: chr17-29553586-A-G.
Other names: c.2135A>G, p.His712Arg (NM_000267.4); short protein forms H712R.
Identifiers: ClinVar variation 68310 (VCV000068310.13), dbSNP rs199474727, ClinGen allele CA219425.
Genomic context (GRCh38, chr17:31,226,568, plus strand): 5'-ACATGTTTCTGTGGAACCCTGACACTGAAGCTGTTCTGGTTGCCATGTCCTGTTTCCGCC[A>G]CCTCTGTGAGGAAGCAGATATCCGGTGTGGGGTGGATGAAGTGTCAGTGCATAACCTCTT-3'
Protein context (NP_001035957.1, residues 702-722): AVLVAMSCFR[His712Arg]LCEEADIRCG

ClinVar aggregate classification (germline): Conflicting classifications of pathogenicity. Review status: criteria provided, conflicting classifications (1 of 4 stars). 4 submissions from 4 submitters: Uncertain significance (2); Benign (1). 1 of the submissions does not count toward it. Last evaluated 2025-10-01.

Conditions:
Hereditary cancer-predisposing syndrome. Also called: Tumor predisposition; Hereditary Cancer Syndrome; Neoplastic Syndromes, Hereditary; Hereditary neoplastic syndrome. Identifiers: Orphanet 140162, MedGen C0027672, MeSH D009386, MONDO:0015356.
Cardiovascular phenotype. Identifiers: MedGen CN230736.
Neurofibromatosis, type 1 (NF1). Also called: Peripheral type neurofibromatosis; VON RECKLINGHAUSEN DISEASE; NEUROFIBROMATOSIS, TYPE I, SOMATIC; Neurofibromatosis, type I. Identifiers: Orphanet 636, MedGen C0027831, MONDO:0018975, OMIM 162200. Disease mechanism: loss of function.

Allele frequency attached by ClinVar (database versions not stated): gnomAD exomes below 0.00001; ExAC 0.00001; TOPMed 0.00001.
gnomAD v4.1: 5 of 1,613,790 alleles (0.00031%); highest among the groups gnomAD compares: Non-Finnish European, 0.00042%; no homozygotes.

Submissions (4):

Labcorp Genetics (formerly Invitae), Labcorp
Classification: Benign for Neurofibromatosis, type 1. Last evaluated: 2025-10-01. Review status: criteria provided, single submitter. Criteria: Invitae Variant Classification Sherloc (09022015). Collection method: clinical testing. Allele origin: germline.

Ambry Genetics
Classification: Uncertain significance for Cardiovascular phenotype; Hereditary cancer-predisposing syndrome. Last evaluated: 2025-09-15. Review status: criteria provided, single submitter. Criteria: Ambry Variant Classification Scheme 2023. Collection method: clinical testing. Allele origin: germline.
Comment: The p.H712R variant (also known as c.2135A>G), located in coding exon 18 of the NF1 gene, results from an A to G substitution at nucleotide position 2135. The histidine at codon 712 is replaced by arginine, an amino acid with highly similar properties. This amino acid position is highly conserved in available vertebrate species. In addition, the in silico prediction for this alteration is inconclusive. Based on the available evidence, the clinical significance of this variant remains unclear.

Genome-Nilou Lab
Classification: Uncertain significance for Neurofibromatosis, type 1. Last evaluated: 2022-03-15. Review status: criteria provided, single submitter. Criteria: ACMG Guidelines, 2015. Collection method: clinical testing. Allele origin: germline. Affected: no.

UniProtKB/Swiss-Prot
No classification provided. Review status: no classification provided. Collection method: not provided. Allele origin: not provided. Not counted in ClinVar's aggregate classification.